The following is an entry in ClinVar:

ClinVar aggregate classification (germline): Uncertain significance (1 of 4 stars; one submission).

Conditions:
Immunodeficiency 51 (IMD51). Also called: CANDIDIASIS, FAMILIAL, 5. Identifiers: Orphanet 1334, MedGen C4310803, MONDO:0013500, OMIM 613953.

Allele frequency attached by ClinVar (database versions not stated): TOPMed below 0.00001.
gnomAD v4.1: 3 of 1,614,172 alleles (0.00019%); highest among the groups gnomAD compares: Middle Eastern, 0.017%; no homozygotes.

Submission:

Labcorp Genetics (formerly Invitae), Labcorp
Classification: Uncertain significance for Immunodeficiency 51. Last evaluated: 2023-08-17. Review status: criteria provided, single submitter. Criteria: Invitae Variant Classification Sherloc (09022015). Collection method: clinical testing. Allele origin: germline.
Comment: In summary, the available evidence is currently insufficient to determine the role of this variant in disease. Therefore, it has been classified as a Variant of Uncertain Significance. Advanced modeling of protein sequence and biophysical properties (such as structural, functional, and spatial information, amino acid conservation, physicochemical variation, residue mobility, and thermodynamic stability) performed at Invitae indicates that this missense variant is not expected to disrupt IL17RA protein function. ClinVar contains an entry for this variant (Variation ID: 651148). This variant has not been reported in the literature in individuals affected with IL17RA-related conditions. This variant is not present in population databases (gnomAD no frequency). This sequence change replaces proline, which is neutral and non-polar, with serine, which is neutral and polar, at codon 374 of the IL17RA protein (p.Pro374Ser).

NM_014339.7(IL17RA):c.1120C>T (p.Pro374Ser)

Gene: IL17RA (interleukin 17 receptor A; plus strand). Cytogenetic location: 22q11.1.
Variant type: single nucleotide variant.
Coding change: c.1120C>T on transcript NM_014339.7 (MANE Select); coding-DNA position 1120, C replaced by T.
Protein change: p.Pro374Ser; replaces proline 374 with serine.
Molecular consequence: missense variant.
Genome position (GRCh38, 1-based): chr22:17,108,339, C>T. VCF-style: chr22-17108339-C-T. GRCh37 (hg19) VCF-style: chr22-17589229-C-T.
Other names: c.1018C>T, p.Pro340Ser (NM_001289905.2); short protein forms P374S, P340S.
Identifiers: ClinVar variation 651148 (VCV000651148.8), dbSNP rs1601349199, ClinGen allele CA410216000.
Genomic context (GRCh38, chr22:17,108,339, plus strand): 5'-GTCAGCATGTGTGGTCTTGTTTCCTTAGATGGCCTGCCTGCGGCTGACCTGATCCCCCCA[C>T]CGCTGAAGCCCAGGAAGGTCTGGATCATCTACTCAGCCGACCACCCCCTCTACGTGGACG-3'
Protein context (NP_055154.3, residues 364-384): GLPAADLIPP[Pro374Ser]LKPRKVWIIY